The following is an entry in ClinVar:

ClinVar aggregate classification (germline): Likely benign. Review status: criteria provided, single submitter (1 of 4 stars). 2 submissions from 2 submitters: Likely benign (1). 1 of the submissions does not count toward it. Last evaluated 2023-03-23.

Conditions:
Hereditary cancer-predisposing syndrome. Also called: Tumor predisposition; Neoplastic Syndromes, Hereditary; Hereditary Cancer Syndrome; Hereditary neoplastic syndrome. Identifiers: Orphanet 140162, MedGen C0027672, MeSH D009386, MONDO:0015356.
Breast-ovarian cancer, familial, susceptibility to, 1 (BROVCA1). Also called: OVARIAN CANCER, SUSCEPTIBILITY TO; BRCA1 Hereditary Breast and Ovarian Cancer. Identifiers: Orphanet 145, MedGen C2676676, MONDO:0011450, OMIM 604370. Disease mechanism: loss of function.

Submissions (2):

University of Washington Department of Laboratory Medicine, University of Washington
Classification: Likely benign for Hereditary cancer-predisposing syndrome. Last evaluated: 2023-03-23. Review status: criteria provided, single submitter. Criteria: Dines et al. (Genet Med. 2020). Collection method: curation. Allele origin: germline.
Comment: Missense variant in a coldspot region where missense variants are very unlikely to be pathogenic (PMID:31911673).

BRCA1 coldspot (exon 11 using historical exon numbering). Reclassification based on statistical prior probability

Breast Cancer Information Core (BIC) (BRCA1)
Classification: Uncertain significance for Breast-ovarian cancer, familial 1. Last evaluated: 2002-05-29. Review status: no assertion criteria provided. Collection method: clinical testing. Allele origin: somatic. Affected: yes. Observed: 1 variant allele. Not counted in ClinVar's aggregate classification.

NM_007294.4(BRCA1):c.3432G>T (p.Gln1144His)

Genes: BRCA1 (BRCA1 DNA repair associated; minus strand), LOC126862571 (BRD4-independent group 4 enhancer GRCh37_chr17:41243136-41244335; plus strand). Cytogenetic location: 17q21.31.
Variant type: single nucleotide variant.
Coding change: c.3432G>T on transcript NM_007294.4 (MANE Select); coding-DNA position 3432, G replaced by T.
Protein change: p.Gln1144His; replaces glutamine 1144 with histidine.
Molecular consequence: missense variant. On other transcripts: intron variant (135).
Genome position (GRCh38, 1-based): chr17:43,092,099, C>A on the plus strand (G>T on the coding strand, the complement: BRCA1 is on the minus strand). VCF-style: chr17-43092099-C-A. GRCh37 (hg19) VCF-style: chr17-41244116-C-A.
Other names: c.3219G>T, p.Gln1073His (NM_001407895.1, NM_001407896.1, NM_001407897.1 and 9 more transcripts); c.3222G>T, p.Gln1074His (NM_001407900.1, NM_001407902.1, NM_001407904.1 and 13 more transcripts); c.3309G>T, p.Gln1103His (NM_001407919.1, NM_001407937.1, NM_001407938.1 and 19 more transcripts); c.3168G>T, p.Gln1056His (NM_001407920.1, NM_001407921.1, NM_001407922.1 and 9 more transcripts); c.3165G>T, p.Gln1055His (NM_001407930.1, NM_001407931.1, NM_001407932.1 and 2 more transcripts); c.3306G>T, p.Gln1102His (NM_001407940.1, NM_001407941.1, NM_001407649.1 and 11 more transcripts); c.3291G>T, p.Gln1097His (NM_001407942.1, NM_001407944.1, NM_001407945.1 and 29 more transcripts); c.3288G>T, p.Gln1096His (NM_001407943.1, NM_001407964.1, NM_001407740.1 and 20 more transcripts); and 41 more; short protein forms Q1144H, Q1097H, Q1016H, Q1073H, Q1077H, Q1102H, Q1103H, Q1117H.
Identifiers: ClinVar variation 54884 (VCV000054884.5), dbSNP rs80356922, ClinGen allele CA002221.